The following is an entry in ClinVar:

ClinVar aggregate classification (germline): Conflicting classifications of pathogenicity. Review status: criteria provided, conflicting classifications (1 of 4 stars). 3 submissions from 3 submitters: Uncertain significance (1); Likely benign (2). Last evaluated 2025-07-23.

Conditions:
Arterial tortuosity syndrome (ATORS). Identifiers: Orphanet 3342, MedGen C1859726, MONDO:0008818, OMIM 208050.
Familial thoracic aortic aneurysm and aortic dissection (TAAD). Also called: Thoracic aortic aneurysms and dissections. Identifiers: Orphanet 91387, MedGen C4707243, MONDO:0019625.

Allele frequency attached by ClinVar (database versions not stated): gnomAD exomes below 0.00001; TOPMed below 0.00001.
gnomAD v4.1: 2 of 1,614,160 alleles (0.00012%); highest among the groups gnomAD compares: Non-Finnish European, 0.00017%; no homozygotes.

Submissions (3):

Mayo Clinic Laboratories, Mayo Clinic
Classification: Likely benign. Last evaluated: 2025-07-23. Review status: criteria provided, single submitter. Criteria: ACMG Guidelines, 2015. Collection method: clinical testing. Allele origin: germline. Observed: 1 variant allele.
Comment: BP4, BP7

Ambry Genetics
Classification: Uncertain significance for Familial thoracic aortic aneurysm and aortic dissection. Last evaluated: 2025-04-10. Review status: criteria provided, single submitter. Criteria: Ambry Variant Classification Scheme 2023. Collection method: clinical testing. Allele origin: germline.
Comment: The c.153G>A variant (also known as p.V51V), located in coding exon 2 of the SLC2A10 gene, results from a G to A substitution at nucleotide position 153. This nucleotide substitution does not change the amino acid at codon 51. This nucleotide position is not well conserved in available vertebrate species. In silico splice site analysis for this alteration is inconclusive. Since supporting evidence is limited at this time, the clinical significance of this alteration remains unclear.

Labcorp Genetics (formerly Invitae), Labcorp
Classification: Likely benign for Arterial tortuosity syndrome. Last evaluated: 2022-08-22. Review status: criteria provided, single submitter. Criteria: Invitae Variant Classification Sherloc (09022015). Collection method: clinical testing. Allele origin: germline.

NM_030777.4(SLC2A10):c.153G>A (p.Val51=)

Gene: SLC2A10 (solute carrier family 2 member 10; plus strand). Cytogenetic location: 20q13.12.
Variant type: single nucleotide variant.
Coding change: c.153G>A on transcript NM_030777.4 (MANE Select); coding-DNA position 153, G replaced by A.
Protein change: p.Val51=; no amino-acid change (valine 51 retained).
Molecular consequence: synonymous variant.
Genome position (GRCh38, 1-based): chr20:46,725,189, G>A. VCF-style: chr20-46725189-G-A. GRCh37 (hg19) VCF-style: chr20-45353828-G-A.
Other names: p.Val51=.
Identifiers: ClinVar variation 1774812 (VCV001774812.9), dbSNP rs1367206658, ClinGen allele CA510847422.
Genomic context (GRCh38, chr20:46,725,189, plus strand): 5'-TGCCCTGCTGCCACTGCAGCTTGACTTTGGGCTAAGCTGCTTGGAGCAGGAGTTCCTGGT[G>A]GGCAGCCTGCTCCTGGGGGCTCTCCTCGCCTCCCTGGTTGGTGGCTTCCTCATTGACTGC-3'
Protein context (NP_110404.1, residues 41-61): GLSCLEQEFL[Val51=]GSLLLGALLA